The following is an entry in ClinVar:

ClinVar aggregate classification (germline): Uncertain significance (1 of 4 stars; one submission).

Conditions:
Developmental and epileptic encephalopathy, 70. Also called: EPILEPTIC ENCEPHALOPATHY, EARLY INFANTILE, 70. Identifiers: MedGen C4749023, MONDO:0032663, OMIM 618298.

gnomAD v4.1: 3 of 1,602,340 alleles (0.00019%); highest among the groups gnomAD compares: African/African-American, 0.0013%; no homozygotes.

Submission:

Neuberg Centre For Genomic Medicine, NCGM
Classification: Uncertain significance for Developmental and epileptic encephalopathy, 70. Last evaluated: 2023-05-20. Review status: criteria provided, single submitter. Criteria: ACMG Guidelines, 2015. Collection method: clinical testing. Allele origin: germline. Inheritance: Autosomal dominant inheritance. Affected: yes.
Comment: The observed missense c.259G>A(p.Val87Met) variant in PHACTR1 gene has not been reported previously as a pathogenic variant nor as a benign variant, to our knowledge. This variant is absent in gnomAD Exomes. The amino acid Val at position 87 is changed to a Met changing protein sequence and it might alter its composition and physico-chemical properties. The amino acid change p.Val87Met in PHACTR1 is predicted as conserved by GERP++ and PhyloP across 100 vertebrates. Computational evidence (Polyphen - Damagin, SIFT - Tolerated, and MutationTaster - Disease causing) predicts conflicting evidence on protein structure and function for this variant. For these reasons, this variant has been classified as Uncertain Significance.

NM_030948.6(PHACTR1):c.259G>A (p.Val87Met)

Gene: PHACTR1 (phosphatase and actin regulator 1; plus strand). Cytogenetic location: 6p24.1.
Variant type: single nucleotide variant.
Coding change: c.259G>A on transcript NM_030948.6 (MANE Select); coding-DNA position 259, G replaced by A.
Protein change: p.Val87Met; replaces valine 87 with methionine.
Molecular consequence: missense variant. On other transcripts: 5 prime UTR variant (4).
Genome position (GRCh38, 1-based): chr6:13,053,373, G>A. VCF-style: chr6-13053373-G-A. GRCh37 (hg19) VCF-style: chr6-13053605-G-A.
Other names: c.259G>A, p.Val87Met (NM_001242648.4, NM_001322308.3, NM_001322309.3 and 3 more transcripts); c.-18G>A (NM_001322311.2, NM_001322312.3, NM_001322313.2 and 1 more transcripts); c.262G>A, p.Val88Met (NM_001322314.4); short protein forms V87M, V88M.
Identifiers: ClinVar variation 3341456 (VCV003341456.1).